The following is an entry in ClinVar:

ClinVar aggregate classification (germline): Conflicting classifications of pathogenicity. Review status: criteria provided, conflicting classifications (1 of 4 stars). 3 submissions from 3 submitters: Uncertain significance (1); Likely benign (1). 1 of the submissions does not count toward it. Last evaluated 2026-01-25.

Conditions:
RD3-related disorder. Also called: RD3-related condition.
Leber congenital amaurosis 12 (LCA12). Identifiers: Orphanet 65, MedGen C1857743, MONDO:0012525, OMIM 610612.

Allele frequency attached by ClinVar (database versions not stated): ExAC 0.00002; gnomAD exomes 0.00003 and 0.00009; gnomAD 0.00004 and 0.00005; TOPMed 0.00008.
gnomAD v4.1: 141 of 1,612,510 alleles (0.0087%); highest among the groups gnomAD compares: Non-Finnish European, 0.011%; no homozygotes.

Submissions (3):

Labcorp Genetics (formerly Invitae), Labcorp
Classification: Likely benign for Leber congenital amaurosis 12. Last evaluated: 2026-01-25. Review status: criteria provided, single submitter. Criteria: Invitae Variant Classification Sherloc (09022015). Collection method: clinical testing. Allele origin: germline.

Eurofins Ntd Llc (ga)
Classification: Uncertain significance. Last evaluated: 2015-10-20. Review status: criteria provided, single submitter. Criteria: EGL Classification Definitions 2015. Collection method: clinical testing. Allele origin: germline. Observed: 1 variant allele, 1 heterozygote.

PreventionGenetics, part of Exact Sciences
Classification: Likely benign for RD3-related condition. Last evaluated: 2020-02-24. Review status: no assertion criteria provided. Collection method: clinical testing. Allele origin: germline. Not counted in ClinVar's aggregate classification.
Comment: This variant is classified as likely benign based on ACMG/AMP sequence variant interpretation guidelines (Richards et al. 2015 PMID: 25741868, with internal and published modifications).

NM_001164688.2(RD3):c.498C>T (p.Ile166=)

Gene: RD3 (RD3 regulator of GUCY2D; minus strand). Cytogenetic location: 1q32.3.
Variant type: single nucleotide variant.
Coding change: c.498C>T on transcript NM_001164688.2 (MANE Select); coding-DNA position 498, C replaced by T.
Protein change: p.Ile166=; no amino-acid change (isoleucine 166 retained).
Molecular consequence: synonymous variant.
Genome position (GRCh38, 1-based): chr1:211,479,126, G>A on the plus strand (C>T on the coding strand, the complement: RD3 is on the minus strand). VCF-style: chr1-211479126-G-A. GRCh37 (hg19) VCF-style: chr1-211652468-G-A.
Other names: c.498C>T, p.Ile166= (NM_183059.3); c.498C>T (NM_183059.2).
Identifiers: ClinVar variation 283917 (VCV000283917.15), dbSNP rs779584830, ClinGen allele CA1381055.